The following is an entry in ClinVar:

NM_002295.6(RPSA):c.10G>A (p.Ala4Thr)

Gene: RPSA (ribosomal protein SA; plus strand). Cytogenetic location: 3p22.1.
Variant type: single nucleotide variant.
Coding change: c.10G>A on transcript NM_002295.6 (MANE Select); coding-DNA position 10, G replaced by A.
Protein change: p.Ala4Thr; replaces alanine 4 with threonine.
Molecular consequence: missense variant.
Genome position (GRCh38, 1-based): chr3:39,407,663, G>A. VCF-style: chr3-39407663-G-A. GRCh37 (hg19) VCF-style: chr3-39449154-G-A.
Other names: c.10G>A, p.Ala4Thr (NM_001304288.2); short protein forms A4T.
Identifiers: ClinVar variation 4768938 (VCV004768938.1).

ClinVar aggregate classification (germline): Uncertain significance (1 of 4 stars; one submission).

gnomAD v4.1: 1 of 1,596,266 alleles (0.000063%); highest among the groups gnomAD compares: Non-Finnish European, 0.000085%; no homozygotes.

Submission:

Labcorp Genetics (formerly Invitae), Labcorp
Classification: Uncertain significance. Last evaluated: 2025-07-21. Review status: criteria provided, single submitter. Criteria: Invitae Variant Classification Sherloc (09022015). Collection method: clinical testing. Allele origin: germline.
Comment: This sequence change replaces alanine, which is neutral and non-polar, with threonine, which is neutral and polar, at codon 4 of the RPSA protein (p.Ala4Thr). This variant is not present in population databases (gnomAD no frequency). This variant has not been reported in the literature in individuals affected with RPSA-related conditions. An algorithm developed to predict the effect of missense changes on protein structure and function (PolyPhen-2) suggests that this variant is likely to be tolerated. In summary, the available evidence is currently insufficient to determine the role of this variant in disease. Therefore, it has been classified as a Variant of Uncertain Significance.